The following is an entry in ClinVar:

NM_176787.5(PIGN):c.283C>T (p.Arg95Trp)

Gene: PIGN (phosphatidylinositol glycan anchor biosynthesis class N; minus strand). Cytogenetic location: 18q21.33.
Variant type: single nucleotide variant.
Coding change: c.283C>T on transcript NM_176787.5 (MANE Select); coding-DNA position 283, C replaced by T.
Protein change: p.Arg95Trp; replaces arginine 95 with tryptophan.
Molecular consequence: missense variant.
Genome position (GRCh38, 1-based): chr18:62,157,747, G>A on the plus strand (C>T on the coding strand, the complement: PIGN is on the minus strand). VCF-style: chr18-62157747-G-A. GRCh37 (hg19) VCF-style: chr18-59824980-G-A.
Other names: c.283C>T, p.Arg95Trp (NM_012327.6); short protein forms R95W.
Identifiers: ClinVar variation 378361 (VCV000378361.22), dbSNP rs558341655, ClinGen allele CA16607643.
Genomic context (GRCh38, chr18:62,157,747, plus strand): 5'-CTTTGGCAACTGCACTGACATCTTCATAAAACCCAGCTATCAGAGCTACATGACCTGGCC[G>A]AGATTCTGTTGGCACACGTGTATGAGATATGCCCCAGCTGCCTTCATGCATTATGATATT-3'
Protein context (NP_789744.1, residues 85-105): ISHTRVPTES[Arg95Trp]PGHVALIAGF

ClinVar aggregate classification (germline): Pathogenic/Likely pathogenic. Review status: criteria provided, multiple submitters, no conflicts (2 of 4 stars). 8 submissions from 8 submitters: Pathogenic (5); Likely pathogenic (3). Last evaluated 2025-11-17.

Conditions:
Inborn genetic diseases. Identifiers: MedGen C0950123, MeSH D030342.
Multiple congenital anomalies-hypotonia-seizures syndrome 1 (MCAHS1). Also called: PIGN-CDG; Congenital disorder of glycosylation due to PIGN deficiency; GLYCOSYLPHOSPHATIDYLINOSITOL BIOSYNTHESIS DEFECT 3. Identifiers: Orphanet 280633, MedGen C3279775, MONDO:0013563, OMIM 614080.

Allele frequency attached by ClinVar (database versions not stated): TOPMed 0.00001; gnomAD exomes 0.00002.
gnomAD v4.1: 28 of 1,612,356 alleles (0.0017%); highest among the groups gnomAD compares: Non-Finnish European, 0.0022%; no homozygotes.

Submissions (8):

3billion
Classification: Likely pathogenic for Multiple congenital anomalies-hypotonia-seizures syndrome 1. Last evaluated: 2025-11-17. Review status: criteria provided, single submitter. Criteria: ACMG Guidelines, 2015. Collection method: clinical testing. Allele origin: germline. Affected: yes.
Comment: The variant is observed at an extremely low frequency in the gnomAD v4.1.0 dataset (total allele frequency: 0.002%). Predicted Consequence/Location: Missense variant. The majority of the known disease-causing variants of this gene are variants expected to result in premature termination of the protein. In silico tool predictions suggest damaging effect of the variant on gene or gene product [REVEL: 0.79 (>=0.6, sensitivity 0.68 and specificity 0.92); 3Cnet: 0.79 (> 0.75, sensitivity 0.96 and precision 0.92)]. The same nucleotide change resulting in the same amino acid change has been previously reported as pathogenic/likely pathogenic with strong evidence (ClinVar ID: VCV000378361 /PMID: 26633542 /3billion dataset). A different missense change at the same codon (p.Arg95Gln) has been reported as pathogenic/likely pathogenic with strong evidence (ClinVar ID: VCV000648403 /PMID: 29096607 /3billion dataset). Therefore, this variant is classified as Likely pathogenic according to the recommendation of ACMG/AMP guideline.

GeneDx
Classification: Pathogenic. Last evaluated: 2025-09-23. Review status: criteria provided, single submitter. Criteria: GeneDx Variant Classification Process June 2021. Collection method: clinical testing. Allele origin: germline. Affected: yes.
Comment: Not observed at significant frequency in large population cohorts (gnomAD); In silico analysis supports that this missense variant has a deleterious effect on protein structure/function; This variant is associated with the following publications: (PMID: 26633542, 35468813, 36322149, 33528536, 38456468, 35179230)

Women's Health and Genetics/Laboratory Corporation of America, LabCorp
Classification: Pathogenic for Multiple congenital anomalies-hypotonia-seizures syndrome 1. Last evaluated: 2025-09-11. Review status: criteria provided, single submitter. Criteria: LabCorp Variant Classification Summary - May 2015. Collection method: clinical testing. Allele origin: germline.
Comment: Variant summary: PIGN c.283C>T (p.Arg95Trp) results in a non-conservative amino acid change in the encoded protein sequence. Algorithms developed to predict the effect of missense changes on protein structure and function all suggest that this variant is likely to be disruptive. The frequency data for this variant in gnomAD is considered unreliable, as metrics indicate poor data quality at this position. c.283C>T has been observed in multiple individuals affected with clinical features of Multiple Congenital Anomalies-Hypotonia Syndrome 1 (Moreno-De-Luca_2021, Bayat_2022, Loong_2022, Tian_2022, Sidpra_2024). These data indicate that the variant is very likely to be associated with disease. A different variant affecting the same codon has been classified as likely pathogenic by our lab (c.284G>A, p.Arg95Gln), supporting the critical relevance of codon 95 to PIGN protein function. To our knowledge, no experimental evidence demonstrating an impact on protein function has been reported. The following publications have been ascertained in the context of this evaluation (PMID: 35179230, 36322149, 33528536, 26633542, 38456468, 35468813). ClinVar contains an entry for this variant (Variation ID: 378361). Based on the evidence outlined above, the variant was classified as pathogenic.

Ambry Genetics
Classification: Pathogenic for Inborn genetic diseases. Last evaluated: 2025-03-25. Review status: criteria provided, single submitter. Criteria: Ambry Variant Classification Scheme 2023. Collection method: clinical testing. Allele origin: germline.
Comment: The c.283C>T (p.R95W) alteration is located in exon 5 (coding exon 2) of the PIGN gene. This alteration results from a C to T substitution at nucleotide position 283, causing the arginine (R) at amino acid position 95 to be replaced by a tryptophan (W). This variant was not reported in population-based cohorts in the Genome Aggregation Database (gnomAD). This variant has been identified in the homozygous state and/or in conjunction with other PIGN variant(s) in individual(s) with features consistent with PIGN-related glycosylphosphatidylinositol deficiency; in at least one instance, the variants were identified in trans (Bayat, 2022; Tian, 2022; Loong, 2023). Other variant(s) at the same codon, c.284G>A (p.R259Q), have been identified in individual(s) with features consistent with PIGN-related glycosylphosphatidylinositol deficiency (Thiffault, 2017; Jalkh, 2019, Duval, 2021). This amino acid position is highly conserved in available vertebrate species. This alteration is predicted to be deleterious by in silico analysis. Based on the available evidence, this alteration is classified as pathogenic.

Labcorp Genetics (formerly Invitae), Labcorp
Classification: Likely pathogenic for Multiple congenital anomalies-hypotonia-seizures syndrome 1. Last evaluated: 2024-05-04. Review status: criteria provided, single submitter. Criteria: Invitae Variant Classification Sherloc (09022015). Collection method: clinical testing. Allele origin: germline.
Comment: This sequence change replaces arginine, which is basic and polar, with tryptophan, which is neutral and slightly polar, at codon 95 of the PIGN protein (p.Arg95Trp). This variant is not present in population databases (gnomAD no frequency). This missense change has been observed in individual(s) with an abnormality of the nervous system and/or PIGN-related conditions (PMID: 26633542, 35179230, 35468813). In at least one individual the data is consistent with being in trans (on the opposite chromosome) from a pathogenic variant. ClinVar contains an entry for this variant (Variation ID: 378361). Advanced modeling of protein sequence and biophysical properties (such as structural, functional, and spatial information, amino acid conservation, physicochemical variation, residue mobility, and thermodynamic stability) performed at Invitae indicates that this missense variant is expected to disrupt PIGN protein function with a positive predictive value of 80%. In summary, the currently available evidence indicates that the variant is pathogenic, but additional data are needed to prove that conclusively. Therefore, this variant has been classified as Likely Pathogenic.

Mendelics
Classification: Pathogenic for Multiple congenital anomalies-hypotonia-seizures syndrome 1. Last evaluated: 2022-05-04. Review status: criteria provided, single submitter. Criteria: Mendelics Assertion Criteria 2019. Collection method: clinical testing. Allele origin: germline.

Baylor Genetics
Classification: Likely pathogenic for Multiple congenital anomalies-hypotonia-seizures syndrome 1. Last evaluated: 2020-01-23. Review status: criteria provided, single submitter. Criteria: ACMG Guidelines, 2015. Collection method: clinical testing. Allele origin: unknown. Affected: yes.
Comment: This variant was determined to be likely pathogenic according to ACMG Guidelines, 2015 [PMID:25741868].

Center for Pediatric Genomic Medicine, Children's Mercy Hospital and Clinics
Classification: Pathogenic. Last evaluated: 2017-10-04. Review status: criteria provided, single submitter. Criteria: ACMG Guidelines, 2015. Collection method: clinical testing. Allele origin: germline.

Literature cited by the submitters: PubMed 26633542 (cited by 3 submitters); PubMed 29096607 (cited by 3billion and Ambry Genetics); PubMed 35468813 (cited by 3 submitters); PubMed 35179230 (cited by 3 submitters); PubMed 33528536 (cited by Women's Health and Genetics/Laboratory Corporation of America, LabCorp); PubMed 38456468 (cited by Women's Health and Genetics/Laboratory Corporation of America, LabCorp); PubMed 36322149 (cited by Women's Health and Genetics/Laboratory Corporation of America, LabCorp and Ambry Genetics); PubMed 30665423 (cited by Ambry Genetics); PubMed 33763700 (cited by Ambry Genetics).